The following is an entry in ClinVar:

ClinVar aggregate classification (germline): Uncertain significance (1 of 4 stars; one submission).

Allele frequency attached by ClinVar (database versions not stated): gnomAD exomes below 0.00001; gnomAD 0.00001; ExAC 0.00002; 1000 Genomes Project 30x 0.00021; 1000 Genomes Project 0.00026.
gnomAD v4.1: 3 of 1,206,432 alleles (0.00025%); highest among the groups gnomAD compares: African/African-American, 0.0018%; no homozygotes.

Submissions (5):

GeneDx
Classification: Uncertain significance. Last evaluated: 2022-04-15. Review status: criteria provided, single submitter. Criteria: GeneDx Variant Classification Process June 2021. Collection method: clinical testing. Allele origin: germline. Affected: yes.
Comment: Not observed at significant frequency in large population cohorts (gnomAD); In silico analysis supports that this missense variant has a deleterious effect on protein structure/function; Has not been previously reported as a pathogenic or benign germline variant to our knowledge; This variant is associated with the following publications: (PMID: 31771970, 32310333)

Dr. Peter K. Rogan Lab, Western University
No classification provided (evidence only). Condition: Uterine corpus endometrial carcinoma. Review status: no classification provided. Collection method: in vitro. Allele origin: not applicable. Functional consequence: skipped exon. Not counted in ClinVar's aggregate classification.

Dr. Peter K. Rogan Lab, Western University
No classification provided (evidence only). Condition: Uterine corpus endometrial carcinoma. Review status: no classification provided. Collection method: in vitro. Allele origin: not applicable. Functional consequence: retained intron. Not counted in ClinVar's aggregate classification.

Dr. Peter K. Rogan Lab, Western University
No classification provided (evidence only). Condition: Uterine corpus endometrial carcinoma. Review status: no classification provided. Collection method: in vitro. Allele origin: not applicable. Functional consequence: retained intron. Not counted in ClinVar's aggregate classification.

Dr. Peter K. Rogan Lab, Western University
No classification provided (evidence only). Condition: Cervical cancer. Review status: no classification provided. Collection method: in vitro. Allele origin: not applicable. Functional consequence: retained intron. Not counted in ClinVar's aggregate classification.

NM_001123385.2(BCOR):c.4376A>G (p.Asn1459Ser)

Gene: BCOR (BCL6 corepressor; minus strand). Cytogenetic location: Xp11.4.
Variant type: single nucleotide variant.
Coding change: c.4376A>G on transcript NM_001123385.2 (MANE Select); coding-DNA position 4376, A replaced by G.
Protein change: p.Asn1459Ser; replaces asparagine 1459 with serine.
Molecular consequence: missense variant.
Genome position (GRCh38, 1-based): chrX:40,062,191, T>C on the plus strand (A>G on the coding strand, the complement: BCOR is on the minus strand). VCF-style: chrX-40062191-T-C. GRCh37 (hg19) VCF-style: chrX-39921444-T-C.
Other names: NC_000023.10:g.39921444T>C; c.4274A>G, p.Asn1425Ser (NM_001123383.2, NM_017745.6); c.4220A>G, p.Asn1407Ser (NM_001123384.2); short protein forms N1407S, N1425S, N1459S.
Identifiers: ClinVar variation 1710889 (VCV001710889.3), dbSNP rs199538037, ClinGen allele CA10386457.